The following is an entry in ClinVar:

NM_173076.3(ABCA12):c.4951G>A (p.Gly1651Ser)

Gene: ABCA12 (ATP binding cassette subfamily A member 12; minus strand). Cytogenetic location: 2q35.
Variant type: single nucleotide variant.
Coding change: c.4951G>A on transcript NM_173076.3 (MANE Select); coding-DNA position 4951, G replaced by A.
Protein change: p.Gly1651Ser; replaces glycine 1651 with serine.
Molecular consequence: missense variant. On other transcripts: non-coding transcript variant (1).
Genome position (GRCh38, 1-based): chr2:214,978,830, C>T on the plus strand (G>A on the coding strand, the complement: ABCA12 is on the minus strand). VCF-style: chr2-214978830-C-T. GRCh37 (hg19) VCF-style: chr2-215843554-C-T.
Other names: c.4951G>A (NM_173076.2); c.3997G>A, p.Gly1333Ser (NM_015657.4); short protein forms G1651S, G1333S.
Identifiers: ClinVar variation 2856 (VCV000002856.7), dbSNP rs28940568, ClinGen allele CA252476.

ClinVar aggregate classification (germline): Pathogenic/Likely pathogenic. Review status: criteria provided, multiple submitters, no conflicts (2 of 4 stars). 4 submissions from 4 submitters: Pathogenic (1); Likely pathogenic (1). 2 of the submissions do not count toward it. Last evaluated 2024-01-29.

Conditions:
Autosomal recessive congenital ichthyosis 4B (ARCI4B). Also called: ICHTHYOSIS CONGENITA, HARLEQUIN FETUS TYPE; Harlequin Fetus; Ichthyosis, congenital, autosomal recessive 4B (harlequin); HARLEQUIN ICHTHYOSIS. Identifiers: Orphanet 457, MedGen C0598226, MONDO:0009443, OMIM 242500.
Autosomal recessive congenital ichthyosis 4A (LI2). Also called: ICHTHYOSIS CONGENITA IIB. Identifiers: Orphanet 313, MedGen C1832550, MONDO:0011026, OMIM 601277.

Allele frequency attached by ClinVar (database versions not stated): gnomAD exomes below 0.00001 and 0.00001; ExAC 0.00002; gnomAD 0.00002 and 0.00003; TOPMed 0.00002.
gnomAD v4.1: 9 of 1,613,888 alleles (0.00056%); highest among the groups gnomAD compares: African/African-American, 0.0067%; no homozygotes.

Submissions (4):

Labcorp Genetics (formerly Invitae), Labcorp
Classification: Pathogenic. Last evaluated: 2024-01-29. Review status: criteria provided, single submitter. Criteria: Invitae Variant Classification Sherloc (09022015). Collection method: clinical testing. Allele origin: germline.
Comment: This sequence change replaces glycine, which is neutral and non-polar, with serine, which is neutral and polar, at codon 1651 of the ABCA12 protein (p.Gly1651Ser). This variant is present in population databases (rs28940568, gnomAD 0.007%). This missense change has been observed in individual(s) with lamellar ichthyosis (PMID: 12915478, 21729033). In at least one individual the data is consistent with being in trans (on the opposite chromosome) from a pathogenic variant. It has also been observed to segregate with disease in related individuals. ClinVar contains an entry for this variant (Variation ID: 2856). Advanced modeling of protein sequence and biophysical properties (such as structural, functional, and spatial information, amino acid conservation, physicochemical variation, residue mobility, and thermodynamic stability) performed at Invitae indicates that this missense variant is not expected to disrupt ABCA12 protein function with a negative predictive value of 80%. For these reasons, this variant has been classified as Pathogenic.

GeneDx
Classification: Likely pathogenic. Last evaluated: 2023-04-20. Review status: criteria provided, single submitter. Criteria: GeneDx Variant Classification Process June 2021. Collection method: clinical testing. Allele origin: germline. Affected: yes.
Comment: Not observed at significant frequency in large population cohorts (gnomAD); In silico analysis supports that this missense variant has a deleterious effect on protein structure/function; This variant is associated with the following publications: (PMID: 31589614, 10094194, 30916489, 21729033, 28236338, 12915478, 36980989, 25766764)

OMIM
Classification: Pathogenic for ICHTHYOSIS, CONGENITAL, AUTOSOMAL RECESSIVE 4A. Last evaluated: 2003-09-15. Review status: no assertion criteria provided. Collection method: literature only. Allele origin: germline. Not counted in ClinVar's aggregate classification.

Genomic Medicine Center of Excellence, King Faisal Specialist Hospital and Research Centre
Classification: Uncertain significance for Autosomal recessive congenital ichthyosis 4B. Last evaluated: 2024-03-25. Review status: flagged submission. Criteria: ACMG Guidelines, 2015. Collection method: research. Allele origin: germline. Not counted in ClinVar's aggregate classification.
ClinVar note: Reason: Outlier claim with insufficient supporting evidence

Literature cited by the submitters: PubMed 12915478 (cited by Labcorp Genetics (formerly Invitae), Labcorp and OMIM); PubMed 21729033 (cited by Labcorp Genetics (formerly Invitae), Labcorp); PubMed 10094194 (cited by OMIM).